The following is an entry in ClinVar:

ClinVar aggregate classification (germline): Uncertain significance (1 of 4 stars; one submission).

Submission:

GeneDx
Classification: Uncertain significance. Last evaluated: 2025-06-13. Review status: criteria provided, single submitter. Criteria: GeneDx Variant Classification Process June 2021. Collection method: clinical testing. Allele origin: germline. Affected: yes.
Comment: Not observed at significant frequency in large population cohorts (gnomAD); In silico analysis suggests that this missense variant does not alter protein structure/function; Has not been previously published as pathogenic or benign to our knowledge

NM_020719.3(PRR12):c.3797A>G (p.Lys1266Arg)

Gene: PRR12 (proline rich 12; plus strand). Cytogenetic location: 19q13.33.
Variant type: single nucleotide variant.
Coding change: c.3797A>G on transcript NM_020719.3 (MANE Select); coding-DNA position 3797, A replaced by G.
Protein change: p.Lys1266Arg; replaces lysine 1266 with arginine.
Molecular consequence: missense variant.
Genome position (GRCh38, 1-based): chr19:49,599,390, A>G. VCF-style: chr19-49599390-A-G. GRCh37 (hg19) VCF-style: chr19-50102647-A-G.
Other names: short protein forms K1266R.
Identifiers: ClinVar variation 4537722 (VCV004537722.1).